The following is an entry in ClinVar:

NM_000051.4(ATM):c.2200G>T (p.Val734Leu)

Gene: ATM (ATM serine/threonine kinase; plus strand). Cytogenetic location: 11q22.3.
Variant type: single nucleotide variant.
Coding change: c.2200G>T on transcript NM_000051.4 (MANE Select); coding-DNA position 2200, G replaced by T.
Protein change: p.Val734Leu; replaces valine 734 with leucine.
Molecular consequence: missense variant.
Genome position (GRCh38, 1-based): chr11:108,256,290, G>T. VCF-style: chr11-108256290-G-T. GRCh37 (hg19) VCF-style: chr11-108127017-G-T.
Other names: c.2200G>T, p.Val734Leu (NM_001351834.2); short protein forms V734L.
Identifiers: ClinVar variation 1307694 (VCV001307694.6), dbSNP rs1390127104, ClinGen allele CA382538975.

ClinVar aggregate classification (germline): Uncertain significance. Review status: criteria provided, multiple submitters, no conflicts (2 of 4 stars). 3 submissions from 3 submitters: Uncertain significance (3). Last evaluated 2025-11-22.

Conditions:
Ataxia-telangiectasia syndrome (AT). Also called: Ataxia telangiectasia (A-T); LOUIS-BAR SYNDROME; AT, COMPLEMENTATION GROUP C; ATAXIA-TELANGIECTASIA, COMPLEMENTATION GROUP A; ATAXIA-TELANGIECTASIA, FRESNO VARIANT; Ataxia-telangiectasia. Identifiers: Orphanet 100, MedGen C0004135, MONDO:0008840, OMIM 208900.
Hereditary cancer-predisposing syndrome. Also called: Neoplastic Syndromes, Hereditary; Hereditary Cancer Syndrome; Tumor predisposition; Hereditary neoplastic syndrome. Identifiers: Orphanet 140162, MedGen C0027672, MeSH D009386, MONDO:0015356.

gnomAD v4.1: 2 of 1,611,204 alleles (0.00012%); highest among the groups gnomAD compares: Non-Finnish European, 0.00017%; no homozygotes.

Submissions (3):

Labcorp Genetics (formerly Invitae), Labcorp
Classification: Uncertain significance for Ataxia-telangiectasia syndrome. Last evaluated: 2025-11-22. Review status: criteria provided, single submitter. Criteria: Invitae Variant Classification Sherloc (09022015). Collection method: clinical testing. Allele origin: germline.
Comment: This sequence change replaces valine, which is neutral and non-polar, with leucine, which is neutral and non-polar, at codon 734 of the ATM protein (p.Val734Leu). This variant is not present in population databases (gnomAD no frequency). This variant has not been reported in the literature in individuals affected with ATM-related conditions. ClinVar contains an entry for this variant (Variation ID: 1307694). Invitae Evidence Modeling of protein sequence and biophysical properties (such as structural, functional, and spatial information, amino acid conservation, physicochemical variation, residue mobility, and thermodynamic stability) indicates that this missense variant is not expected to disrupt ATM protein function with a negative predictive value of 95%. In summary, the available evidence is currently insufficient to determine the role of this variant in disease. Therefore, it has been classified as a Variant of Uncertain Significance.

Ambry Genetics
Classification: Uncertain significance for Hereditary cancer-predisposing syndrome. Last evaluated: 2025-04-10. Review status: criteria provided, single submitter. Criteria: Ambry Variant Classification Scheme 2023. Collection method: clinical testing. Allele origin: germline.
Comment: The p.V734L variant (also known as c.2200G>T), located in coding exon 13 of the ATM gene, results from a G to T substitution at nucleotide position 2200. The valine at codon 734 is replaced by leucine, an amino acid with highly similar properties. This amino acid position is not well conserved in available vertebrate species. In addition, this alteration is predicted to be tolerated by in silico analysis. Since supporting evidence is limited at this time, the clinical significance of this alteration remains unclear.

GeneDx
Classification: Uncertain significance. Last evaluated: 2019-08-05. Review status: criteria provided, single submitter. Criteria: GeneDx Variant Classification Process June 2021. Collection method: clinical testing. Allele origin: germline. Affected: yes.
Comment: Not observed in large population cohorts (Lek 2016); In silico analysis, which includes protein predictors and evolutionary conservation, supports that this variant does not alter protein structure/function; Has not been previously published as pathogenic or benign to our knowledge